The following is an entry in ClinVar:

ClinVar aggregate classification (germline): Likely pathogenic (1 of 4 stars; one submission).

Conditions:
Autosomal recessive nonsyndromic hearing loss 67. Identifiers: Orphanet 90636, MedGen C1853223, MONDO:0012460, OMIM 610265.

gnomAD v4.1: 5 of 1,614,062 alleles (0.00031%); highest among the groups gnomAD compares: East Asian, 0.0067%; no homozygotes.

Submission:

Institute of Rare Diseases, West China Hospital, Sichuan University
Classification: Likely pathogenic for Autosomal recessive nonsyndromic hearing loss 67. Last evaluated: 2025-01-09. Review status: criteria provided, single submitter. Criteria: ClinGen HL ACMG Specifications v1. Collection method: research. Allele origin: germline. Affected: yes.
Comment: PM3_Strong;PM5;PM2_Supporting

NM_182548.4(LHFPL5):c.200A>G (p.Tyr67Cys)

Gene: LHFPL5 (LHFPL tetraspan subfamily member 5; plus strand). Cytogenetic location: 6p21.31.
Variant type: single nucleotide variant.
Coding change: c.200A>G on transcript NM_182548.4 (MANE Select); coding-DNA position 200, A replaced by G.
Protein change: p.Tyr67Cys; replaces tyrosine 67 with cysteine.
Molecular consequence: missense variant.
Genome position (GRCh38, 1-based): chr6:35,805,870, A>G. VCF-style: chr6-35805870-A-G. GRCh37 (hg19) VCF-style: chr6-35773647-A-G.
Other names: short protein forms Y67C.
Identifiers: ClinVar variation 3601191 (VCV003601191.1).
Genomic context (GRCh38, chr6:35,805,870, plus strand): 5'-CCTACTGGATCGGCGACAGCGTCAACACACCGCAGGCAGGCTACTTCGGCCTTTTCTCCT[A>G]CTGCGTGGGTAACGTGCTGTCCTCCGAGCTCATCTGCAAGGGCGGCCCCCTAGACTTCTC-3'
Protein context (NP_872354.1, residues 57-77): PQAGYFGLFS[Tyr67Cys]CVGNVLSSEL